The following is an entry in ClinVar:

NM_001194998.2(CEP152):c.1565C>G (p.Ser522Cys)

Gene: CEP152 (centrosomal protein 152; minus strand). Cytogenetic location: 15q21.1.
Variant type: single nucleotide variant.
Coding change: c.1565C>G on transcript NM_001194998.2 (MANE Select); coding-DNA position 1565, C replaced by G.
Protein change: p.Ser522Cys; replaces serine 522 with cysteine.
Molecular consequence: missense variant.
Genome position (GRCh38, 1-based): chr15:48,781,208, G>C on the plus strand (C>G on the coding strand, the complement: CEP152 is on the minus strand). VCF-style: chr15-48781208-G-C. GRCh37 (hg19) VCF-style: chr15-49073405-G-C.
Other names: c.1565C>G, p.Ser522Cys (NM_014985.4); short protein forms S522C.
Identifiers: ClinVar variation 158228 (VCV000158228.11), dbSNP rs376452872, ClinGen allele CA211007.
Genomic context (GRCh38, chr15:48,781,208, plus strand): 5'-TTACTAATGTTGGTTCTTCTACAGTAAACTAAAATATTCTTTCCATACCTGGTAACTTTG[G>C]ATTTTTTCCAGTTGACCTTTTTAATACCCAAATCCACATACGATTCAGTGAGTTCTATAT-3'
Protein context (NP_001181927.1, residues 512-532): LGIKKVNWKK[Ser522Cys]KVTSIVQEED

ClinVar aggregate classification (germline): Uncertain significance. Review status: criteria provided, multiple submitters, no conflicts (2 of 4 stars). 3 submissions from 3 submitters: Uncertain significance (3). Last evaluated 2023-03-20.

Conditions:
Microcephaly 9, primary, autosomal recessive. Identifiers: Orphanet 2512, MedGen C3553886, MONDO:0013923, OMIM 614852.

Allele frequency attached by ClinVar (database versions not stated): ExAC 0.00008; gnomAD exomes 0.00008; ESP Exome Variant Server 0.00009; gnomAD 0.00034 and 0.00036; TOPMed 0.00037.
gnomAD v4.1: 114 of 1,613,254 alleles (0.0071%); highest among the groups gnomAD compares: African/African-American, 0.12%; no homozygotes.

Submissions (3):

GeneDx
Classification: Uncertain significance. Last evaluated: 2023-03-20. Review status: criteria provided, single submitter. Criteria: GeneDx Variant Classification Process June 2021. Collection method: clinical testing. Allele origin: germline. Affected: yes.
Comment: In silico analysis supports that this missense variant has a deleterious effect on protein structure/function; Has not been previously published as pathogenic or benign to our knowledge

Labcorp Genetics (formerly Invitae), Labcorp
Classification: Uncertain significance. Last evaluated: 2022-07-02. Review status: criteria provided, single submitter. Criteria: Invitae Variant Classification Sherloc (09022015). Collection method: clinical testing. Allele origin: germline.
Comment: This sequence change replaces serine, which is neutral and polar, with cysteine, which is neutral and slightly polar, at codon 522 of the CEP152 protein (p.Ser522Cys). This variant is present in population databases (rs376452872, gnomAD 0.1%). This variant has not been reported in the literature in individuals affected with CEP152-related conditions. ClinVar contains an entry for this variant (Variation ID: 158228). Algorithms developed to predict the effect of missense changes on protein structure and function (SIFT, PolyPhen-2, Align-GVGD) all suggest that this variant is likely to be disruptive. In summary, the available evidence is currently insufficient to determine the role of this variant in disease. Therefore, it has been classified as a Variant of Uncertain Significance.

Genetic Services Laboratory, University of Chicago
Classification: Uncertain significance for Microcephaly 9, primary, autosomal recessive. Last evaluated: 2013-01-10. Review status: criteria provided, single submitter. Criteria: ACMG Guidelines, 2007. Collection method: clinical testing. Allele origin: germline. Inheritance: Autosomal recessive inheritance.